The following is an entry in ClinVar:

NM_005427.4(TP73):c.453_454del (p.Tyr152fs)

Gene: TP73 (tumor protein p73; plus strand). Cytogenetic location: 1p36.32.
Variant type: Microsatellite.
Coding change: c.453_454del on transcript NM_005427.4 (MANE Select); coding-DNA positions 453 to 454, 2 bases deleted (CT; older notation c.453_454delCT).
Protein change: p.Tyr152fs; shifts the reading frame from tyrosine 152.
Molecular consequence: frameshift variant.
Genome position (GRCh38, 1-based): chr1:3,722,044-3,722,045, CT deleted; deleting any 2 consecutive bases within chr1:3,722,042-3,722,045 gives the same sequence; the c. name uses the placement nearest the transcript's 3' end. VCF-style (leftmost placement, unchanged base first): chr1-3722041-ACT-A. GRCh37 (hg19) VCF-style: chr1-3638605-ACT-A.
Other names: c.306_307del, p.Tyr103fs (NM_001126240.3, NM_001126241.3, NM_001126242.3 and 3 more transcripts); c.453_454del, p.Tyr152fs (NM_001204184.2, NM_001204185.2, NM_001204186.2 and 2 more transcripts); c.240_241del, p.Tyr81fs (NM_001204192.2); short protein forms Y103fs, Y152fs, Y81fs.
Identifiers: ClinVar variation 4076273 (VCV004076273.1).

ClinVar aggregate classification (germline): Likely pathogenic (1 of 4 stars; one submission).

Conditions:
Ciliary dyskinesia, primary, 47, and lissencephaly (CILD47). Identifiers: MedGen C5561951, MONDO:0030346, OMIM 619466.

Submission:

Laboratorio de Genetica e Diagnostico Molecular, Hospital Israelita Albert Einstein
Classification: Likely pathogenic for Ciliary dyskinesia, primary, 47, and lissencephaly. Last evaluated: 2024-08-15. Review status: criteria provided, single submitter. Criteria: ACMG Guidelines, 2015. Collection method: clinical testing. Allele origin: germline. Affected: yes.
Comment: ACMG classification criteria: PVS1 very strong, PM2 supporting